The following is an entry in ClinVar:

ClinVar aggregate classification (germline): Pathogenic. Review status: criteria provided, single submitter (1 of 4 stars). 3 submissions from 3 submitters: Pathogenic (1). 2 of the submissions do not count toward it. Last evaluated 2023-09-08.

Conditions:
Hypokalemic periodic paralysis, type 1. Also called: Hypokalemic Periodic Paralysis Type 1 (AD); HypoPP. Identifiers: Orphanet 681, MedGen C3714580, MONDO:0042979, OMIM 170400.
Malignant hyperthermia, susceptibility to, 5 (MHS5). Also called: CACNA1S-Related Malignant Hyperthermia Susceptibility. Identifiers: Orphanet 423, MedGen C1866077, MONDO:0011163, OMIM 601887.

Allele frequency attached by ClinVar (database versions not stated): gnomAD exomes below 0.00001; gnomAD 0.00001.
gnomAD v4.1: 7 of 1,614,060 alleles (0.00043%); highest among the groups gnomAD compares: Non-Finnish European, 0.00059%; no homozygotes.

Submissions (3):

Labcorp Genetics (formerly Invitae), Labcorp
Classification: Pathogenic for Hypokalemic periodic paralysis, type 1; Malignant hyperthermia, susceptibility to, 5. Last evaluated: 2023-09-08. Review status: criteria provided, single submitter. Criteria: Invitae Variant Classification Sherloc (09022015). Collection method: clinical testing. Allele origin: germline.
Comment: This sequence change creates a premature translational stop signal (p.Gln416*) in the CACNA1S gene. It is expected to result in an absent or disrupted protein product. Loss-of-function variants in CACNA1S are known to be pathogenic (PMID: 26247046, 28012042). This variant is not present in population databases (gnomAD no frequency). This premature translational stop signal has been observed in individual(s) with neuromuscular disorders (PMID: 31127727). ClinVar contains an entry for this variant (Variation ID: 1206372). For these reasons, this variant has been classified as Pathogenic.

Joint Genome Diagnostic Labs from Nijmegen and Maastricht, Radboudumc and MUMC+
Classification: Uncertain significance. Review status: no assertion criteria provided. Collection method: clinical testing. Allele origin: germline. Affected: yes. Study: VKGL Data-share Consensus. Not counted in ClinVar's aggregate classification.

Laboratory of Diagnostic Genome Analysis, Leiden University Medical Center (LUMC)
Classification: Uncertain significance. Review status: no assertion criteria provided. Collection method: clinical testing. Allele origin: germline. Affected: yes. Study: VKGL Data-share Consensus. Not counted in ClinVar's aggregate classification.

Literature cited by the submitters: PubMed 26247046 (cited by Labcorp Genetics (formerly Invitae), Labcorp); PubMed 28012042 (cited by Labcorp Genetics (formerly Invitae), Labcorp); PubMed 31127727 (cited by Labcorp Genetics (formerly Invitae), Labcorp).

NM_000069.3(CACNA1S):c.1246C>T (p.Gln416Ter)

Gene: CACNA1S (calcium voltage-gated channel subunit alpha1 S; minus strand). Cytogenetic location: 1q32.1.
Variant type: single nucleotide variant.
Coding change: c.1246C>T on transcript NM_000069.3 (MANE Select); coding-DNA position 1246, C replaced by T.
Protein change: p.Gln416Ter; replaces glutamine 416 with a stop codon.
Molecular consequence: nonsense.
Genome position (GRCh38, 1-based): chr1:201,083,309, G>A on the plus strand (C>T on the coding strand, the complement: CACNA1S is on the minus strand). VCF-style: chr1-201083309-G-A. GRCh37 (hg19) VCF-style: chr1-201052437-G-A.
Other names: short protein forms Q416*.
Identifiers: ClinVar variation 1206372 (VCV001206372.6), dbSNP rs1303215579, ClinGen allele CA344126214.